The following is an entry in ClinVar:

NM_000552.5(VWF):c.7274G>A (p.Cys2425Tyr)

Gene: VWF (von Willebrand factor; minus strand). Cytogenetic location: 12p13.31.
Variant type: single nucleotide variant.
Coding change: c.7274G>A on transcript NM_000552.5 (MANE Select); coding-DNA position 7274, G replaced by A.
Protein change: p.Cys2425Tyr; replaces cysteine 2425 with tyrosine.
Molecular consequence: missense variant.
Genome position (GRCh38, 1-based): chr12:5,981,799, C>T on the plus strand (G>A on the coding strand, the complement: VWF is on the minus strand). VCF-style: chr12-5981799-C-T. GRCh37 (hg19) VCF-style: chr12-6090965-C-T.
Other names: short protein forms C2425Y.
Identifiers: ClinVar variation 4687502 (VCV004687502.1).

ClinVar aggregate classification (germline): Uncertain significance (1 of 4 stars; one submission).

gnomAD v4.1: 1 of 1,614,010 alleles (0.000062%); highest among the groups gnomAD compares: African/African-American, 0.0013%; no homozygotes.

Submission:

Women's Health and Genetics/Laboratory Corporation of America, LabCorp
Classification: Uncertain significance. Last evaluated: 2025-10-07. Review status: criteria provided, single submitter. Criteria: LabCorp Variant Classification Summary - May 2015. Collection method: clinical testing. Allele origin: germline.
Comment: Variant summary: VWF c.7274G>A (p.Cys2425Tyr) results in a non-conservative amino acid change in the encoded protein sequence. Algorithms developed to predict the effect of missense changes on protein structure and function are either unavailable or do not agree on the potential impact of this missense change. The variant was absent in 251436 control chromosomes. The available data on variant occurrences in the general population are insufficient to allow any conclusion about variant significance. To our knowledge, no occurrence of c.7274G>A in individuals affected with VWF-related conditions and no experimental evidence demonstrating its impact on protein function have been reported. No submitters have cited clinical-significance assessments for this variant to ClinVar. Based on the evidence outlined above, the variant was classified as uncertain significance.